The following is an entry in ClinVar:

ClinVar aggregate classification (germline): Uncertain significance. Review status: criteria provided, multiple submitters, no conflicts (2 of 4 stars). 2 submissions from 2 submitters: Uncertain significance (2). Last evaluated 2024-06-22.

Conditions:
Hypertrophic cardiomyopathy 14. Identifiers: MedGen C2750467, MONDO:0013197, OMIM 613251.

gnomAD v4.1: 1 of 1,613,974 alleles (0.000062%); highest among the groups gnomAD compares: African/African-American, 0.0013%; no homozygotes.

Submissions (2):

Labcorp Genetics (formerly Invitae), Labcorp
Classification: Uncertain significance for Hypertrophic cardiomyopathy 14. Last evaluated: 2024-06-22. Review status: criteria provided, single submitter. Criteria: Invitae Variant Classification Sherloc (09022015). Collection method: clinical testing. Allele origin: germline.
Comment: This sequence change replaces tyrosine, which is neutral and polar, with cysteine, which is neutral and slightly polar, at codon 1462 of the MYH6 protein (p.Tyr1462Cys). This variant is not present in population databases (gnomAD no frequency). This variant has not been reported in the literature in individuals affected with MYH6-related conditions. An algorithm developed to predict the effect of missense changes on protein structure and function (PolyPhen-2) suggests that this variant is likely to be disruptive. In summary, the available evidence is currently insufficient to determine the role of this variant in disease. Therefore, it has been classified as a Variant of Uncertain Significance.

GeneDx
Classification: Uncertain significance. Last evaluated: 2024-03-25. Review status: criteria provided, single submitter. Criteria: GeneDx Variant Classification Process June 2021. Collection method: clinical testing. Allele origin: germline. Affected: yes.
Comment: Has not been previously published as pathogenic or benign to our knowledge; Not observed at significant frequency in large population cohorts (gnomAD); In silico analysis supports that this missense variant has a deleterious effect on protein structure/function

NM_002471.4(MYH6):c.4385A>G (p.Tyr1462Cys)

Gene: MYH6 (myosin heavy chain 6; minus strand). Cytogenetic location: 14q11.2.
Variant type: single nucleotide variant.
Coding change: c.4385A>G on transcript NM_002471.4 (MANE Select); coding-DNA position 4385, A replaced by G.
Protein change: p.Tyr1462Cys; replaces tyrosine 1462 with cysteine.
Molecular consequence: missense variant.
Genome position (GRCh38, 1-based): chr14:23,387,898, T>C on the plus strand (A>G on the coding strand, the complement: MYH6 is on the minus strand). VCF-style: chr14-23387898-T-C. GRCh37 (hg19) VCF-style: chr14-23857107-T-C.
Other names: short protein forms Y1462C.
Identifiers: ClinVar variation 3342842 (VCV003342842.3).